The following is an entry in ClinVar:

NM_001267550.2(TTN):c.105383_105384inv (p.Ala35128Val)

Genes: TTN (titin; minus strand), TTN-AS1 (TTN antisense RNA 1; plus strand). Cytogenetic location: 2q31.2.
Variant type: Inversion.
Coding change: c.105383_105384inv on transcript NM_001267550.2 (MANE Select).
Protein change: p.Ala35128Val; replaces alanine 35128 with valine.
Molecular consequence: missense variant.
Genome position: GRCh38 VCF-style: chr2-178531231-TG-CA. GRCh37 (hg19) VCF-style: chr2-179395958-TG-CA.
Other names: c.78764_78765inv, p.Ala26255Val (NM_133437.4); c.105383_105384delinsTG (NM_001267550.2); c.78188_78189delCAinsTG (NM_003319.4); c.100460_100461inv, p.Ala33487Val (NM_001256850.1); c.78188_78189inv, p.Ala26063Val (NM_003319.4); c.97679_97680inv, p.Ala32560Val (NM_133378.4); c.78563_78564inv, p.Ala26188Val (NM_133432.3); short protein forms A32560V, A26188V, A35128V, A26255V, A33487V, A26063V.
Identifiers: ClinVar variation 1760755 (VCV001760755.4), ClinGen allele CA2580064928.
Genomic context (GRCh38, chr2:178,531,231, plus strand): 5'-AAACCTTGCAGACTCGCCCTCGTAGACGGTCATGGACCGTGGCTTTGTTAGAATTCTTGC[TG>CA]CCAAAGTCGTCTTGATCTTTCTGGTTGTGGATTTTTCTTCCAGTGACTTTTCTTCTAATG-3'
Protein context (NP_001254479.2, residues 35118-35138): STTRKIKTTL[Ala35128Val]ARILTKPRSM

ClinVar aggregate classification (germline): Conflicting classifications of pathogenicity. Review status: criteria provided, conflicting classifications (1 of 4 stars). 3 submissions from 3 submitters: Uncertain significance (1); Likely benign (2). Last evaluated 2026-03-27.

Conditions:
Cardiovascular phenotype. Identifiers: MedGen CN230736.
TTN-related disorder. Also called: TTN-related disorders; TTN-related condition; TTN-related disease.

Submissions (3):

Molecular Diagnostic Laboratory for Inherited Cardiovascular Disease, Montreal Heart Institute
Classification: Likely benign. Last evaluated: 2026-03-27. Review status: criteria provided, single submitter. Criteria: ACMG Guidelines, 2015. Collection method: clinical testing. Allele origin: germline. Affected: no.

PreventionGenetics, part of Exact Sciences
Classification: Uncertain significance for TTN-related condition. Last evaluated: 2025-09-13. Review status: criteria provided, single submitter. Criteria: ACMG Guidelines, 2015. Collection method: clinical testing. Allele origin: germline.
Comment: The TTN c.105383_105384delinsTG variant is predicted to result in an in-frame deletion and insertion. To our knowledge, this variant has not been reported in the literature or in a large population database (gnomAD), indicating this variant is rare. At this time, the clinical significance of this variant is uncertain due to the absence of conclusive functional and genetic evidence.

Ambry Genetics
Classification: Likely benign for Cardiovascular phenotype. Last evaluated: 2022-04-14. Review status: criteria provided, single submitter. Criteria: Ambry Variant Classification Scheme 2023. Collection method: clinical testing. Allele origin: germline.